The following is an entry in ClinVar:

NM_018051.5(DYNC2I1):c.683G>A (p.Arg228Gln)

Gene: DYNC2I1 (dynein 2 intermediate chain 1; plus strand). Cytogenetic location: 7q36.3.
Variant type: single nucleotide variant.
Coding change: c.683G>A on transcript NM_018051.5 (MANE Select); coding-DNA position 683, G replaced by A.
Protein change: p.Arg228Gln; replaces arginine 228 with glutamine.
Molecular consequence: missense variant. On other transcripts: 5 prime UTR variant (3).
Genome position (GRCh38, 1-based): chr7:158,879,793, G>A. VCF-style: chr7-158879793-G-A. GRCh37 (hg19) VCF-style: chr7-158672484-G-A.
Other names: c.545G>A, p.Arg182Gln (NM_001350914.2); c.166G>A, p.Glu56Lys (NM_001350915.2); c.-676G>A (NM_001350916.2); c.-684G>A (NM_001350917.2); c.-803G>A (NM_001350918.2); c.683G>A (NM_018051.4); short protein forms E56K, R182Q, R228Q.
Identifiers: ClinVar variation 3661242 (VCV003661242.3).
Genomic context (GRCh38, chr7:158,879,793, plus strand): 5'-AAGAAGAAGGCGAGAGGAGACACAGGAAGCCCAGAGAGCCAGATCGAGACAACAAACACC[G>A]AGAAAAAAGCAGCACAAGGGAAAAAAGAGAGAAATATTCCAAAGAGAAAAGTAATTCATT-3'
Protein context (NP_060521.4, residues 218-238): PREPDRDNKH[Arg228Gln]EKSSTREKRE

ClinVar aggregate classification (germline): Uncertain significance. Review status: criteria provided, multiple submitters, no conflicts (2 of 4 stars). 2 submissions from 2 submitters: Uncertain significance (2). Last evaluated 2025-07-04.

Conditions:
Short-rib thoracic dysplasia 8 with or without polydactyly (SRTD8). Also called: SHORT-RIB THORACIC DYSPLASIA 8 WITH POLYDACTYLY. Identifiers: Orphanet 93271, MedGen C3809691, MONDO:0014214, OMIM 615503.
Inborn genetic diseases. Identifiers: MedGen C0950123, MeSH D030342.

Submissions (2):

Labcorp Genetics (formerly Invitae), Labcorp
Classification: Uncertain significance for Short-rib thoracic dysplasia 8 with or without polydactyly. Last evaluated: 2025-07-04. Review status: criteria provided, single submitter. Criteria: Invitae Variant Classification Sherloc (09022015). Collection method: clinical testing. Allele origin: germline.
Comment: This sequence change replaces arginine, which is basic and polar, with glutamine, which is neutral and polar, at codon 228 of the WDR60 protein (p.Arg228Gln). This variant is present in population databases (no rsID available, gnomAD 0.006%). This variant has not been reported in the literature in individuals affected with WDR60-related conditions. ClinVar contains an entry for this variant (Variation ID: 3661242). An algorithm developed to predict the effect of missense changes on protein structure and function outputs the following: PolyPhen-2: "Benign". The glutamine amino acid residue is found in multiple mammalian species, which suggests that this missense change does not adversely affect protein function. In summary, the available evidence is currently insufficient to determine the role of this variant in disease. Therefore, it has been classified as a Variant of Uncertain Significance.

Ambry Genetics
Classification: Uncertain significance for Inborn genetic diseases. Last evaluated: 2025-06-06. Review status: criteria provided, single submitter. Criteria: Ambry Variant Classification Scheme 2023. Collection method: clinical testing. Allele origin: germline.